The following is an entry in ClinVar:

ClinVar aggregate classification (germline): Uncertain significance. Review status: criteria provided, multiple submitters, no conflicts (2 of 4 stars). 2 submissions from 2 submitters: Uncertain significance (2). Last evaluated 2024-02-06.

Conditions:
Inborn genetic diseases. Identifiers: MedGen C0950123, MeSH D030342.
Joubert syndrome 8 (JBTS8). Identifiers: Orphanet 475, MedGen C2676771, MONDO:0012855, OMIM 612291.

Allele frequency attached by ClinVar (database versions not stated): gnomAD exomes below 0.00001; TOPMed below 0.00001; ExAC 0.00001; gnomAD 0.00001.
gnomAD v4.1: 1 of 1,613,486 alleles (0.000062%); highest among the groups gnomAD compares: Non-Finnish European, 0.000085%; no homozygotes.

Submissions (2):

Ambry Genetics
Classification: Uncertain significance for Inborn genetic diseases. Last evaluated: 2024-02-06. Review status: criteria provided, single submitter. Criteria: Ambry Variant Classification Scheme 2023. Collection method: clinical testing. Allele origin: germline.

Labcorp Genetics (formerly Invitae), Labcorp
Classification: Uncertain significance for Joubert syndrome 8. Last evaluated: 2022-02-23. Review status: criteria provided, single submitter. Criteria: Invitae Variant Classification Sherloc (09022015). Collection method: clinical testing. Allele origin: germline.
Comment: In summary, the available evidence is currently insufficient to determine the role of this variant in disease. Therefore, it has been classified as a Variant of Uncertain Significance. This sequence change replaces glutamine, which is neutral and polar, with arginine, which is basic and polar, at codon 309 of the ARL13B protein (p.Gln309Arg). Algorithms developed to predict the effect of missense changes on protein structure and function output the following: SIFT: "Deleterious"; PolyPhen-2: "Benign"; Align-GVGD: "Class C0". The arginine amino acid residue is found in multiple mammalian species, which suggests that this missense change does not adversely affect protein function. This variant is present in population databases (rs766797911, gnomAD 0.0009%). This variant has not been reported in the literature in individuals affected with ARL13B-related conditions.

NM_001174150.2(ARL13B):c.926A>G (p.Gln309Arg)

Gene: ARL13B (ARF like GTPase 13B; plus strand). Cytogenetic location: 3q11.2.
Variant type: single nucleotide variant.
Coding change: c.926A>G on transcript NM_001174150.2 (MANE Select); coding-DNA position 926, A replaced by G.
Protein change: p.Gln309Arg; replaces glutamine 309 with arginine.
Molecular consequence: missense variant. On other transcripts: non-coding transcript variant (2).
Genome position (GRCh38, 1-based): chr3:94,043,142, A>G. VCF-style: chr3-94043142-A-G. GRCh37 (hg19) VCF-style: chr3-93761986-A-G.
Other names: c.926A>G (NM_182896.2); c.617A>G, p.Gln206Arg (NM_001174151.2); c.881A>G, p.Gln294Arg (NM_001321328.2); c.605A>G, p.Gln202Arg (NM_144996.4); c.926A>G, p.Gln309Arg (NM_182896.3); short protein forms Q206R, Q294R, Q202R, Q309R.
Identifiers: ClinVar variation 1358641 (VCV001358641.9), dbSNP rs766797911, ClinGen allele CA2504210.